The following is an entry in ClinVar:

ClinVar aggregate classification (germline): Pathogenic (1 of 4 stars; one submission).

Conditions:
Charcot-Marie-Tooth disease type 4. Also called: Charcot-Marie-Tooth, Type 4; Charcot-Marie-Tooth disease, type IV. Identifiers: Orphanet 64749, MedGen C4082197, MONDO:0018995.

Submission:

Labcorp Genetics (formerly Invitae), Labcorp
Classification: Pathogenic for Charcot-Marie-Tooth disease type 4. Last evaluated: 2022-07-19. Review status: criteria provided, single submitter. Criteria: Invitae Variant Classification Sherloc (09022015). Collection method: clinical testing. Allele origin: germline.
Comment: For these reasons, this variant has been classified as Pathogenic. Algorithms developed to predict the effect of sequence changes on RNA splicing suggest that this variant may create or strengthen a splice site. This variant has not been reported in the literature in individuals affected with MTMR2-related conditions. This variant is not present in population databases (gnomAD no frequency). This sequence change creates a premature translational stop signal (p.Asn310Metfs*18) in the MTMR2 gene. It is expected to result in an absent or disrupted protein product. Loss-of-function variants in MTMR2 are known to be pathogenic (PMID: 10802647).

Literature cited by the submitters: PubMed 10802647.

NM_016156.6(MTMR2):c.928_929insTGATATTTACTGAGTACAGTAA (p.Asn310fs)

Gene: MTMR2 (myotubularin related protein 2; minus strand). Cytogenetic location: 11q21.
Variant type: Insertion.
Coding change: c.928_929insTGATATTTACTGAGTACAGTAA on transcript NM_016156.6 (MANE Select); coding-DNA positions 928 to 929, TGATATTTACTGAGTACAGTAA inserted.
Protein change: p.Asn310fs; shifts the reading frame from asparagine 310.
Molecular consequence: frameshift variant.
Genome position: GRCh38 VCF-style: chr11-95849738-T-TTTACTGTACTCAGTAAATATCA. GRCh37 (hg19) VCF-style: chr11-95582902-T-TTTACTGTACTCAGTAAATATCA.
Other names: c.712_713insTGATATTTACTGAGTACAGTAA, p.Asn238fs (NM_001243571.2, NM_201278.3, NM_201281.3); short protein forms N310fs, N238fs.
Identifiers: ClinVar variation 2038889 (VCV002038889.4), dbSNP rs2496500008, ClinGen allele CA2580085154.